The following is an entry in ClinVar:

ClinVar aggregate classification (germline): Pathogenic (1 of 4 stars; one submission).

Submission:

Labcorp Genetics (formerly Invitae), Labcorp
Classification: Pathogenic. Last evaluated: 2026-01-16. Review status: criteria provided, single submitter. Criteria: Invitae Variant Classification Sherloc (09022015). Collection method: clinical testing. Allele origin: germline.
Comment: This sequence change affects an acceptor splice site in intron 2 of the DSPP gene. It is expected to disrupt RNA splicing. Variants that disrupt the donor or acceptor splice site typically lead to a loss of protein function (PMID: 16199547), however the current clinical and genetic evidence is not sufficient to establish whether loss-of-function variants in DSPP cause disease. This variant is not present in population databases (gnomAD no frequency). Disruption of this splice site has been observed in individuals with dentinogenesis imperfecta (PMID: 26829730, 35627243; internal data). It has also been observed to segregate with disease in related individuals. Algorithms developed to predict the effect of sequence changes on RNA splicing suggest that this variant may disrupt the consensus splice site. For these reasons, this variant has been classified as Pathogenic.

Literature cited by the submitters: PubMed 16199547; PubMed 26829730; PubMed 35627243.

NM_014208.3(DSPP):c.52-1G>A

Genes: DMP1-AS1 (DMP1 and DSPP antisense RNA 1; minus strand), DSPP (dentin sialophosphoprotein; plus strand). Cytogenetic location: 4q22.1.
Variant type: single nucleotide variant.
Coding change: c.52-1G>A on transcript NM_014208.3 (MANE Select); the canonical splice acceptor site of the intron before coding-DNA position 52, G replaced by A.
Molecular consequence: splice acceptor variant.
Genome position (GRCh38, 1-based): chr4:87,612,104, G>A. VCF-style: chr4-87612104-G-A. GRCh37 (hg19) VCF-style: chr4-88533256-G-A.
Identifiers: ClinVar variation 4747398 (VCV004747398.1).